The following is an entry in ClinVar:

NM_002474.3(MYH11):c.1189C>G (p.Leu397Val)

Gene: MYH11 (myosin heavy chain 11; minus strand). Cytogenetic location: 16p13.11.
Variant type: single nucleotide variant.
Coding change: c.1189C>G on transcript NM_002474.3 (MANE Select); coding-DNA position 1189, C replaced by G.
Protein change: p.Leu397Val; replaces leucine 397 with valine.
Molecular consequence: missense variant.
Genome position (GRCh38, 1-based): chr16:15,760,599, G>C on the plus strand (C>G on the coding strand, the complement: MYH11 is on the minus strand). VCF-style: chr16-15760599-G-C. GRCh37 (hg19) VCF-style: chr16-15854456-G-C.
Other names: c.1210C>G, p.Leu404Val (NM_001040113.2, NM_001040114.2); c.1189C>G, p.Leu397Val (NM_022844.3); short protein forms L397V, L404V.
Identifiers: ClinVar variation 3070986 (VCV003070986.1), dbSNP rs2506412763, ClinGen allele CA394872977.

ClinVar aggregate classification (germline): Uncertain significance (1 of 4 stars; one submission).

Conditions:
Familial thoracic aortic aneurysm and aortic dissection (TAAD). Also called: Thoracic aortic aneurysms and dissections. Identifiers: Orphanet 91387, MedGen C4707243, MONDO:0019625.

Submission:

All of Us Research Program, National Institutes of Health
Classification: Uncertain significance for Familial thoracic aortic aneurysm and aortic dissection. Last evaluated: 2023-11-30. Review status: criteria provided, single submitter. Criteria: ACMG Guidelines, 2015. Collection method: clinical testing. Allele origin: germline. Inheritance: Autosomal dominant inheritance. Observed: 3 variant alleles, 3 heterozygotes.
Comment: This missense variant replaces leucine with valine at codon 404 of the MYH11 protein. Computational prediction suggests that this variant may have deleterious impact on protein structure and function (internally defined REVEL score threshold >= 0.7, PMID: 27666373). To our knowledge, functional studies have not been reported for this variant. This variant has not been reported in individuals affected with MYH11-related disorders in the literature. This variant has not been identified in the general population by the Genome Aggregation Database (gnomAD). The available evidence is insufficient to determine the role of this variant in disease conclusively. Therefore, this variant is classified as a Variant of Uncertain Significance.

This study involves interpretation of variants in research participants for the purpose of population health screening. Participant phenotype was not available at the time of variant classification. Additional details can be found in publication PMID: 35346344, PMCID: PMC8962531